The following is an entry in ClinVar:

ClinVar aggregate classification (germline): Uncertain significance. Review status: criteria provided, multiple submitters, no conflicts (2 of 4 stars). 2 submissions from 2 submitters: Uncertain significance (2). Last evaluated 2025-06-29.

Conditions:
Inborn genetic diseases. Identifiers: MedGen C0950123, MeSH D030342.
Pallister-Hall syndrome (PHS). Also called: HYPOTHALAMIC HAMARTOBLASTOMA, HYPOPITUITARISM, IMPERFORATE ANUS, AND POSTAXIAL POLYDACTYLY; GLI3-Related Pallister-Hall Syndrome. Identifiers: Orphanet 672, MedGen C0265220, MONDO:0007804, OMIM 146510.
Greig cephalopolysyndactyly syndrome (GCPS). Also called: Greig syndrome; GLI3-Related Greig Cephalopolysyndactyly Syndrome; POLYSYNDACTYLY WITH PECULIAR SKULL SHAPE. Identifiers: Orphanet 380, MedGen C0265306, MONDO:0008287, OMIM 175700.

Allele frequency attached by ClinVar (database versions not stated): TOPMed below 0.00001; ExAC 0.00001; gnomAD 0.00001.
gnomAD v4.1: 5 of 1,613,898 alleles (0.00031%); highest among the groups gnomAD compares: Middle Eastern, 0.016%; no homozygotes.

Submissions (2):

Ambry Genetics
Classification: Uncertain significance for Inborn genetic diseases. Last evaluated: 2025-06-29. Review status: criteria provided, single submitter. Criteria: Ambry Variant Classification Scheme 2023. Collection method: clinical testing. Allele origin: germline.

Labcorp Genetics (formerly Invitae), Labcorp
Classification: Uncertain significance for Pallister-Hall syndrome; Greig cephalopolysyndactyly syndrome. Last evaluated: 2023-05-15. Review status: criteria provided, single submitter. Criteria: Invitae Variant Classification Sherloc (09022015). Collection method: clinical testing. Allele origin: germline.
Comment: This variant has not been reported in the literature in individuals affected with GLI3-related conditions. In summary, the available evidence is currently insufficient to determine the role of this variant in disease. Therefore, it has been classified as a Variant of Uncertain Significance. An algorithm developed to predict the effect of missense changes on protein structure and function (PolyPhen-2) suggests that this variant is likely to be tolerated. ClinVar contains an entry for this variant (Variation ID: 2144358). This variant is present in population databases (rs754711120, gnomAD 0.0009%). This sequence change replaces cysteine, which is neutral and slightly polar, with phenylalanine, which is neutral and non-polar, at codon 1416 of the GLI3 protein (p.Cys1416Phe).

NM_000168.6(GLI3):c.4247G>T (p.Cys1416Phe)

Gene: GLI3 (GLI family zinc finger 3; minus strand). Cytogenetic location: 7p14.1.
Variant type: single nucleotide variant.
Coding change: c.4247G>T on transcript NM_000168.6 (MANE Select); coding-DNA position 4247, G replaced by T.
Protein change: p.Cys1416Phe; replaces cysteine 1416 with phenylalanine.
Molecular consequence: missense variant.
Genome position (GRCh38, 1-based): chr7:41,964,826, C>A on the plus strand (G>T on the coding strand, the complement: GLI3 is on the minus strand). VCF-style: chr7-41964826-C-A. GRCh37 (hg19) VCF-style: chr7-42004424-C-A.
Other names: c.4247G>T (NM_000168.5); short protein forms C1416F.
Identifiers: ClinVar variation 2144358 (VCV002144358.5), dbSNP rs754711120, ClinGen allele CA4230165.